The following is an entry in ClinVar:

NM_001040458.3(ERAP1):c.663+40A>G

Gene: ERAP1 (endoplasmic reticulum aminopeptidase 1; minus strand). Cytogenetic location: 5q15.
Variant type: single nucleotide variant.
Coding change: c.663+40A>G on transcript NM_001040458.3 (MANE Select); 40 bases into the intron after coding-DNA position 663, A replaced by G.
Molecular consequence: intron variant.
Genome position (GRCh38, 1-based): chr5:96,800,822, T>C on the plus strand (A>G on the coding strand, the complement: ERAP1 is on the minus strand). VCF-style: chr5-96800822-T-C. GRCh37 (hg19) VCF-style: chr5-96136525-T-C.
Other names: c.663+40A>G (NM_001349244.2, NM_016442.5, NM_001198541.3).
Identifiers: ClinVar variation 2688414 (VCV002688414.2), dbSNP rs27528, ClinGen allele CA3352485.

ClinVar aggregate classification (germline): Benign (1 of 4 stars; one submission).

Allele frequency attached by ClinVar (database versions not stated): gnomAD exomes 0.25100; gnomAD 0.25462; TOPMed 0.25859; ESP Exome Variant Server 0.24835; ExAC 0.26844; 1000 Genomes Project 0.27097; 1000 Genomes Project 30x 0.27374.
gnomAD v4.1: 404,331 of 1,609,316 alleles (25%); highest among the groups gnomAD compares: Admixed American, 38%; 51,914 homozygotes.

Submission:

Unidad de Genómica Garrahan, Hospital de Pediatría Garrahan
Classification: Benign. Last evaluated: 2024-01-24. Review status: criteria provided, single submitter. Criteria: ACMG Guidelines, 2015. Collection method: clinical testing. Allele origin: germline. Affected: no. Observed: 45 variant alleles.
Comment: This variant is classified as Benign based on local population frequency. This variant was detected in 51% of patients studied by a panel of primary immunodeficiencies. Number of patients: 45. Only high quality variants are reported.